The following is an entry in ClinVar:

ClinVar aggregate classification (germline): Uncertain significance. Review status: criteria provided, multiple submitters, no conflicts (2 of 4 stars). 2 submissions from 2 submitters: Uncertain significance (2). Last evaluated 2026-03-22.

gnomAD v4.1: 1 of 1,613,594 alleles (0.000062%); highest among the groups gnomAD compares: Non-Finnish European, 0.000085%; no homozygotes.

Submissions (2):

GeneDx
Classification: Uncertain significance. Last evaluated: 2026-03-22. Review status: criteria provided, single submitter. Criteria: GeneDx Variant Classification Process June 2021. Collection method: clinical testing. Allele origin: germline.
Comment: Not observed at significant frequency in large population cohorts (gnomAD); In silico analysis supports that this missense variant has a deleterious effect on protein structure/function; Has not been previously published as pathogenic or benign to our knowledge

Athena Diagnostics
Classification: Uncertain significance. Last evaluated: 2022-07-13. Review status: criteria provided, single submitter. Criteria: Athena Diagnostics Criteria. Collection method: clinical testing. Allele origin: unknown.

NM_001378452.1(ITPR1):c.4538C>G (p.Thr1513Ser)

Gene: ITPR1 (inositol 1,4,5-trisphosphate receptor type 1; plus strand). Cytogenetic location: 3p26.1.
Variant type: single nucleotide variant.
Coding change: c.4538C>G on transcript NM_001378452.1 (MANE Select); coding-DNA position 4538, C replaced by G.
Protein change: p.Thr1513Ser; replaces threonine 1513 with serine.
Molecular consequence: missense variant.
Genome position (GRCh38, 1-based): chr3:4,702,831, C>G. VCF-style: chr3-4702831-C-G. GRCh37 (hg19) VCF-style: chr3-4744515-C-G.
Other names: c.4511C>G, p.Thr1504Ser (NM_001099952.4); c.4493C>G, p.Thr1498Ser (NM_001168272.2); c.4466C>G, p.Thr1489Ser (NM_002222.7); c.4466C>G (NM_002222.5); short protein forms T1489S, T1498S, T1504S, T1513S.
Identifiers: ClinVar variation 1807474 (VCV001807474.2), dbSNP rs1263089211, ClinGen allele CA351633954.
Genomic context (GRCh38, chr3:4,702,831, plus strand): 5'-CATCAGTAGTCTACAAATAAAAATCTGTTTTTCACGTTGCCTCTTTTGGCTTCTTGCAGA[C>G]TCGCCAGCCTGTCTTTGTGCAACTGCTGCAAGGCGTGTTCAGGGTTTACCACTGCAACTG-3'
Protein context (NP_001365381.1, residues 1503-1523): PFSDQSTTLQ[Thr1513Ser]RQPVFVQLLQ